The following is an entry in ClinVar:

NM_174936.4(PCSK9):c.219G>T (p.Arg73Ser)

Gene: PCSK9 (proprotein convertase subtilisin/kexin type 9; plus strand). Cytogenetic location: 1p32.3.
Variant type: single nucleotide variant.
Coding change: c.219G>T on transcript NM_174936.4 (MANE Select); coding-DNA position 219, G replaced by T.
Protein change: p.Arg73Ser; replaces arginine 73 with serine.
Molecular consequence: missense variant.
Genome position (GRCh38, 1-based): chr1:55,043,854, G>T. VCF-style: chr1-55043854-G-T. GRCh37 (hg19) VCF-style: chr1-55509527-G-T.
Other names: short protein forms R73S.
Identifiers: ClinVar variation 921574 (VCV000921574.8), dbSNP rs376944580, ClinGen allele CA040881.

ClinVar aggregate classification (germline): Uncertain significance. Review status: criteria provided, multiple submitters, no conflicts (2 of 4 stars). 3 submissions from 3 submitters: Uncertain significance (3). Last evaluated 2025-07-10.

Conditions:
Cardiovascular phenotype. Identifiers: MedGen CN230736.
Familial hypercholesterolemia. Also called: Familial hypercholesterolemias; Familial hypercholesterolaemia. Identifiers: MedGen C0020445, MONDO:0005439.
Hypercholesterolemia, autosomal dominant, 3 (FHCL3). Also called: Familial hypercholesterolemia 3; Familial Hypercholesterolemia, Autosomal Dominant, 3; PCSK9-Related Familial Hypercholesterolemia, Autosomal Dominant. Identifiers: MedGen C1863551, MONDO:0011369, OMIM 603776.

Allele frequency attached by ClinVar (database versions not stated): gnomAD 0.00001; ExAC 0.00002; TOPMed 0.00002; ESP Exome Variant Server 0.00008.

Submissions (3):

Color Diagnostics, LLC DBA Color Health
Classification: Uncertain significance for Familial hypercholesterolemia. Last evaluated: 2025-07-10. Review status: criteria provided, single submitter. Criteria: ACMG Guidelines, 2015. Collection method: clinical testing. Allele origin: germline.
Comment: This missense variant replaces arginine with serine at codon 73 of the PCSK9 protein. Computational prediction suggests that this variant may not impact protein structure and function. To our knowledge, functional studies have not been performed for this variant. This variant has been reported in an individual with high LDL-C level (>99th percentile) from a population-based cohort of participants undergoing whole exome sequencing that were selected for extreme LDL-C levels (PMID: 24507775). This variant has been identified in 2/250622 chromosomes in the general population by the Genome Aggregation Database (gnomAD). The available evidence is insufficient to determine the role of this variant in disease conclusively. Therefore, this variant is classified as a Variant of Uncertain Significance.

Ambry Genetics
Classification: Uncertain significance for Cardiovascular phenotype. Last evaluated: 2024-12-14. Review status: criteria provided, single submitter. Criteria: Ambry Variant Classification Scheme 2023. Collection method: clinical testing. Allele origin: germline.
Comment: The p.R73S variant (also known as c.219G>T), located in coding exon 2 of the PCSK9 gene, results from a G to T substitution at nucleotide position 219. The arginine at codon 73 is replaced by serine, an amino acid with dissimilar properties. This amino acid position is conserved. In addition, the in silico prediction for this alteration is inconclusive. Based on the available evidence, the clinical significance of this variant remains unclear.

All of Us Research Program, National Institutes of Health
Classification: Uncertain significance for Hypercholesterolemia, autosomal dominant, 3. Last evaluated: 2023-09-04. Review status: criteria provided, single submitter. Criteria: ACMG Guidelines, 2015. Collection method: clinical testing. Allele origin: germline. Inheritance: Autosomal dominant inheritance. Observed: 1 variant allele, 1 heterozygote.
Comment: This missense variant replaces arginine with serine at codon 73 of the PCSK9 protein. Computational prediction suggests that this variant may not impact protein structure and function (internally defined REVEL score threshold <= 0.5, PMID: 27666373). To our knowledge, functional studies have not been performed for this variant. This variant has been reported in an individual with high LDL-C level (>99th percentile) from a population-based cohort of participants undergoing whole exome sequencing that were selected for extreme LDL-C levels (PMID: 24507775). This variant has been identified in 2/250622 chromosomes in the general population by the Genome Aggregation Database (gnomAD). The available evidence is insufficient to determine the role of this variant in disease conclusively. Therefore, this variant is classified as a Variant of Uncertain Significance.

This study involves interpretation of variants in research participants for the purpose of population health screening. Participant phenotype was not available at the time of variant classification. Additional details can be found in publication PMID: 35346344, PMCID: PMC8962531

Literature cited by the submitters: PubMed 24507775 (cited by Color Diagnostics, LLC DBA Color Health and All of Us Research Program, National Institutes of Health).